The following is an entry in ClinVar:

NM_000433.4(NCF2):c.485C>T (p.Ala162Val)

Gene: NCF2 (neutrophil cytosolic factor 2; minus strand). Cytogenetic location: 1q25.3.
Variant type: single nucleotide variant.
Coding change: c.485C>T on transcript NM_000433.4 (MANE Select); coding-DNA position 485, C replaced by T.
Protein change: p.Ala162Val; replaces alanine 162 with valine.
Molecular consequence: missense variant. On other transcripts: intron variant (2).
Genome position (GRCh38, 1-based): chr1:183,574,503, G>A on the plus strand (C>T on the coding strand, the complement: NCF2 is on the minus strand). VCF-style: chr1-183574503-G-A. GRCh37 (hg19) VCF-style: chr1-183543638-G-A.
Other names: c.485C>T, p.Ala162Val (NM_001127651.3, NM_001410895.1); c.366+3096C>T (NM_001190789.2); c.367-1211C>T (NM_001190794.2); short protein forms A162V.
Identifiers: ClinVar variation 2151907 (VCV002151907.1), dbSNP rs376994104, ClinGen allele CA1284964.

ClinVar aggregate classification (germline): Uncertain significance (1 of 4 stars; one submission).

Conditions:
Granulomatous disease, chronic, autosomal recessive, cytochrome b-positive, type 2. Also called: GRANULOMATOUS DISEASE, CHRONIC, AUTOSOMAL RECESSIVE, 2; Chronic granulomatous disease due to deficiency of NCF-2; Chronic Granulomatous Disease, Autosomal Recessive, Cytochrome b-Positive, Type II; CGD, AUTOSOMAL RECESSIVE CYTOCHROME b-POSITIVE, TYPE II; GRANULOMATOUS DISEASE, CHRONIC, DUE TO NCF2 DEFICIENCY. Identifiers: Orphanet 379, MedGen C1856245, MONDO:0009310, OMIM 233710.

Allele frequency attached by ClinVar (database versions not stated): gnomAD 0.00001; TOPMed 0.00001; ExAC 0.00002; ESP Exome Variant Server 0.00008.
gnomAD v4.1: 8 of 1,614,022 alleles (0.0005%); highest among the groups gnomAD compares: African/African-American, 0.0013%; no homozygotes.

Submission:

Labcorp Genetics (formerly Invitae), Labcorp
Classification: Uncertain significance for Granulomatous disease, chronic, autosomal recessive, cytochrome b-positive, type 2. Last evaluated: 2022-10-14. Review status: criteria provided, single submitter. Criteria: Invitae Variant Classification Sherloc (09022015). Collection method: clinical testing. Allele origin: germline.
Comment: This sequence change replaces alanine, which is neutral and non-polar, with valine, which is neutral and non-polar, at codon 162 of the NCF2 protein (p.Ala162Val). This variant is present in population databases (rs376994104, gnomAD 0.007%). This missense change has been observed in individual(s) with Crohn's disease (PMID: 29454792). Advanced modeling of protein sequence and biophysical properties (such as structural, functional, and spatial information, amino acid conservation, physicochemical variation, residue mobility, and thermodynamic stability) performed at Invitae indicates that this missense variant is expected to disrupt NCF2 protein function. Algorithms developed to predict the effect of sequence changes on RNA splicing suggest that this variant may create or strengthen a splice site. In summary, the available evidence is currently insufficient to determine the role of this variant in disease. Therefore, it has been classified as a Variant of Uncertain Significance.

Literature cited by the submitters: PubMed 29454792.